The following is an entry in ClinVar:

NM_000059.4(BRCA2):c.6626_6627del (p.Ile2209fs)

Gene: BRCA2 (BRCA2 DNA repair associated; plus strand). Cytogenetic location: 13q13.1.
Variant type: Microsatellite.
Coding change: c.6626_6627del on transcript NM_000059.4 (MANE Select); coding-DNA positions 6626 to 6627, 2 bases deleted (TA; older notation c.6626_6627delTA).
Protein change: p.Ile2209fs; shifts the reading frame from isoleucine 2209.
Molecular consequence: frameshift variant.
Genome position (GRCh38, 1-based): chr13:32,340,981-32,340,982, TA deleted; deleting any 2 consecutive bases within chr13:32,340,978-32,340,982 gives the same sequence; the c. name uses the placement nearest the transcript's 3' end. VCF-style (leftmost placement, unchanged base first): chr13-32340977-AAT-A. GRCh37 (hg19) VCF-style: chr13-32915114-AAT-A.
Other names: 6854delTA; 6854_6855delTA; c.6626_6627delTA (NM_000059.3); short protein forms I2209fs.
Identifiers: ClinVar variation 52135 (VCV000052135.14), dbSNP rs80359610, ClinGen allele CA024219.

ClinVar aggregate classification (germline): Pathogenic. Review status: reviewed by expert panel (3 of 4 stars). 6 submissions from 6 submitters: Pathogenic (1). 5 of the submissions do not count toward it. Last evaluated 2016-04-22.

Conditions:
Hereditary breast ovarian cancer syndrome. Also called: Hereditary breast and ovarian cancer syndrome; Hereditary breast and ovarian cancer; Hereditary breast and ovarian cancer syndrome (HBOC); Breast and ovarian cancer; Hereditary breast and/or ovarian cancer syndrome; BRCA1- and BRCA2-Associated Hereditary Breast and Ovarian Cancer. Identifiers: Orphanet 145, MedGen C0677776, MeSH D061325, MONDO:0003582. Disease mechanism: loss of function.
Breast-ovarian cancer, familial, susceptibility to, 2 (BROVCA2). Also called: BRCA2 Hereditary Breast and Ovarian Cancer. Identifiers: Orphanet 145, MedGen C2675520, MONDO:0012933, OMIM 612555. Disease mechanism: loss of function.
Hereditary cancer-predisposing syndrome. Also called: Neoplastic Syndromes, Hereditary; Tumor predisposition; Hereditary neoplastic syndrome; Hereditary Cancer Syndrome. Identifiers: Orphanet 140162, MedGen C0027672, MeSH D009386, MONDO:0015356.

Submissions (6):

Evidence-based Network for the Interpretation of Germline Mutant Alleles (ENIGMA)
Classification: Pathogenic for Breast-ovarian cancer, familial, susceptibility to, 2. Last evaluated: 2016-04-22. Review status: reviewed by expert panel. Criteria: ENIGMA BRCA1/2 Classification Criteria (2015). Collection method: curation. Allele origin: germline.
Comment: Variant allele predicted to encode a truncated non-functional protein.

Ambry Genetics
Classification: Pathogenic for Hereditary cancer-predisposing syndrome. Last evaluated: 2025-03-16. Review status: criteria provided, single submitter. Criteria: Ambry Variant Classification Scheme 2023. Collection method: clinical testing. Allele origin: germline. Not counted in ClinVar's aggregate classification.
Comment: The c.6626_6627delTA pathogenic mutation, located in coding exon 10 of the BRCA2 gene, results from a deletion of two nucleotides at nucleotide positions 6626 to 6627, causing a translational frameshift with a predicted alternate stop codon (p.I2209Rfs*15). This alteration was also observed with allele frequency of 0.00014 in 7051 unselected female breast cancer patients and was observed with an allele frequency of 0.000 in 11241 female controls of Japanese ancestry (Momozawa Y et al. Nat Commun, 2018 10;9:4083). Additionally, this alteration was identified in a large, worldwide study of BRCA1/2 mutation positive families (Rebbeck TR et al. Hum. Mutat., 2018 05;39:593-620). This variant is considered to be rare based on population cohorts in the Genome Aggregation Database (gnomAD). In addition to the clinical data presented in the literature, this alteration is expected to result in loss of function by premature protein truncation or nonsense-mediated mRNA decay. As such, this alteration is interpreted as a disease-causing mutation.

Labcorp Genetics (formerly Invitae), Labcorp
Classification: Pathogenic for Hereditary breast ovarian cancer syndrome. Last evaluated: 2023-09-30. Review status: criteria provided, single submitter. Criteria: Invitae Variant Classification Sherloc (09022015). Collection method: clinical testing. Allele origin: germline. Not counted in ClinVar's aggregate classification.
Comment: This sequence change creates a premature translational stop signal (p.Ile2209Argfs*15) in the BRCA2 gene. It is expected to result in an absent or disrupted protein product. Loss-of-function variants in BRCA2 are known to be pathogenic (PMID: 20104584). This variant is not present in population databases (gnomAD no frequency). This premature translational stop signal has been observed in individual(s) with breast and ovarian cancer (PMID: 29084914, 32341426). ClinVar contains an entry for this variant (Variation ID: 52135). For these reasons, this variant has been classified as Pathogenic.

Color Diagnostics, LLC DBA Color Health
Classification: Pathogenic for Hereditary cancer-predisposing syndrome. Last evaluated: 2020-01-15. Review status: criteria provided, single submitter. Criteria: ACMG Guidelines, 2015. Collection method: clinical testing. Allele origin: germline. Not counted in ClinVar's aggregate classification.
Comment: This variant deletes 2 nucleotides in exon 11 of the BRCA2 gene, creating a frameshift and premature translation stop signal. This variant is expected to result in an absent or non-functional protein product. This variant has not been identified in the general population by the Genome Aggregation Database (gnomAD). Loss of BRCA2 function is a known mechanism of disease. Based on the available evidence, this variant is classified as Pathogenic.

Consortium of Investigators of Modifiers of BRCA1/2 (CIMBA), c/o University of Cambridge
Classification: Pathogenic for Breast-ovarian cancer, familial, susceptibility to, 2. Last evaluated: 2015-10-02. Review status: criteria provided, single submitter. Criteria: CIMBA Mutation Classification guidelines May 2016. Collection method: clinical testing. Allele origin: germline. Not counted in ClinVar's aggregate classification.

Breast Cancer Information Core (BIC) (BRCA2)
Classification: Pathogenic for Breast-ovarian cancer, familial 2. Last evaluated: 2003-12-23. Review status: no assertion criteria provided. Collection method: clinical testing. Allele origin: germline. Affected: yes. Observed: 1 variant allele. Not counted in ClinVar's aggregate classification.

Literature cited by the submitters: PubMed 29084914 (cited by Ambry Genetics and Labcorp Genetics (formerly Invitae), Labcorp); PubMed 29176636 (cited by Ambry Genetics); PubMed 29446198 (cited by Ambry Genetics); PubMed 30287823 (cited by Ambry Genetics); PubMed 20104584 (cited by Labcorp Genetics (formerly Invitae), Labcorp); PubMed 32341426 (cited by Labcorp Genetics (formerly Invitae), Labcorp).